The following is an entry in ClinVar:

ClinVar aggregate classification (germline): Uncertain significance (1 of 4 stars; one submission).

Conditions:
Charcot-Marie-Tooth disease axonal type 2Z. Also called: CHARCOT-MARIE-TOOTH DISEASE, AXONAL, AUTOSOMAL DOMINANT, TYPE 2Z; CHARCOT-MARIE-TOOTH NEUROPATHY, TYPE 2Z. Identifiers: Orphanet 466768, MedGen C5569025, MONDO:0014736, OMIM 616688.

Submission:

Labcorp Genetics (formerly Invitae), Labcorp
Classification: Uncertain significance for Charcot-Marie-Tooth disease axonal type 2Z. Last evaluated: 2023-10-03. Review status: criteria provided, single submitter. Criteria: Invitae Variant Classification Sherloc (09022015). Collection method: clinical testing. Allele origin: germline.
Comment: This sequence change replaces proline, which is neutral and non-polar, with serine, which is neutral and polar, at codon 654 of the MORC2 protein (p.Pro654Ser). This variant is not present in population databases (gnomAD no frequency). This variant has not been reported in the literature in individuals affected with MORC2-related conditions. Advanced modeling of protein sequence and biophysical properties (such as structural, functional, and spatial information, amino acid conservation, physicochemical variation, residue mobility, and thermodynamic stability) performed at Invitae indicates that this missense variant is not expected to disrupt MORC2 protein function. In summary, the available evidence is currently insufficient to determine the role of this variant in disease. Therefore, it has been classified as a Variant of Uncertain Significance.

NM_001303256.3(MORC2):c.1960C>T (p.Pro654Ser)

Gene: MORC2 (MORC family CW-type zinc finger 2; minus strand). Cytogenetic location: 22q12.2.
Variant type: single nucleotide variant.
Coding change: c.1960C>T on transcript NM_001303256.3 (MANE Select); coding-DNA position 1960, C replaced by T.
Protein change: p.Pro654Ser; replaces proline 654 with serine.
Molecular consequence: missense variant.
Genome position (GRCh38, 1-based): chr22:30,935,014, G>A on the plus strand (C>T on the coding strand, the complement: MORC2 is on the minus strand). VCF-style: chr22-30935014-G-A. GRCh37 (hg19) VCF-style: chr22-31331001-G-A.
Other names: c.1960C>T, p.Pro654Ser (NM_001303257.2); c.1774C>T, p.Pro592Ser (NM_014941.3); short protein forms P592S, P654S.
Identifiers: ClinVar variation 2824927 (VCV002824927.3), dbSNP rs2517580076, ClinGen allele CA411235046.
Genomic context (GRCh38, chr22:30,935,014, plus strand): 5'-GTGCCTCAGGTGGCTGGAGCAGCCTAGATGTGCTGGCCTCCTCCCGGGCTGCCAAAGCAG[G>A]GAGCTTTGGGGTACTGCTGATGACAGGAGCCTTTCGGGGCTGGCTGGCTGGTCTAGGAGT-3'
Protein context (NP_001290185.1, residues 644-664): APVISSTPKL[Pro654Ser]ALAAREEAST